The following is an entry in ClinVar:

ClinVar aggregate classification (germline): Conflicting classifications of pathogenicity. Review status: criteria provided, conflicting classifications (1 of 4 stars). 3 submissions from 3 submitters: Uncertain significance (2); Likely benign (1). Last evaluated 2025-02-01.

Conditions:
Inborn genetic diseases. Identifiers: MedGen C0950123, MeSH D030342.
Nance-Horan syndrome (NHS). Identifiers: Orphanet 627, MedGen C0796085, MONDO:0010545, OMIM 302350.

Allele frequency attached by ClinVar (database versions not stated): ExAC 0.00002; gnomAD exomes 0.00002; gnomAD 0.00006; TOPMed 0.00007; ESP Exome Variant Server 0.00009.
gnomAD v4.1: 28 of 1,209,720 alleles (0.0023%); highest among the groups gnomAD compares: Non-Finnish European, 0.0029%; no homozygotes.

Submissions (3):

CeGaT Center for Human Genetics Tuebingen
Classification: Likely benign. Last evaluated: 2025-02-01. Review status: criteria provided, single submitter. Criteria: CeGaT Center For Human Genetics Tuebingen Variant Classification Criteria Version 2. Collection method: clinical testing. Allele origin: germline. Affected: yes. Observed: 1 variant allele.
Comment: NHS: BP4, BS2

Ambry Genetics
Classification: Uncertain significance for Inborn genetic diseases. Last evaluated: 2024-07-30. Review status: criteria provided, single submitter. Criteria: Ambry Variant Classification Scheme 2023. Collection method: clinical testing. Allele origin: germline.

Labcorp Genetics (formerly Invitae), Labcorp
Classification: Uncertain significance for Nance-Horan syndrome. Last evaluated: 2023-11-03. Review status: criteria provided, single submitter. Criteria: Invitae Variant Classification Sherloc (09022015). Collection method: clinical testing. Allele origin: germline.
Comment: This sequence change replaces lysine, which is basic and polar, with arginine, which is basic and polar, at codon 468 of the NHS protein (p.Lys468Arg). This variant is present in population databases (rs149877928, gnomAD 0.002%), including at least one homozygous and/or hemizygous individual. This variant has not been reported in the literature in individuals affected with NHS-related conditions. Advanced modeling of protein sequence and biophysical properties (such as structural, functional, and spatial information, amino acid conservation, physicochemical variation, residue mobility, and thermodynamic stability) performed at Invitae indicates that this missense variant is not expected to disrupt NHS protein function with a negative predictive value of 80%. In summary, the available evidence is currently insufficient to determine the role of this variant in disease. Therefore, it has been classified as a Variant of Uncertain Significance.

NM_001291867.2(NHS):c.1466A>G (p.Lys489Arg)

Gene: NHS (NHS actin remodeling regulator; plus strand). Cytogenetic location: Xp22.13.
Variant type: single nucleotide variant.
Coding change: c.1466A>G on transcript NM_001291867.2 (MANE Select); coding-DNA position 1466, A replaced by G.
Protein change: p.Lys489Arg; replaces lysine 489 with arginine.
Molecular consequence: missense variant.
Genome position (GRCh38, 1-based): chrX:17,725,572, A>G. VCF-style: chrX-17725572-A-G. GRCh37 (hg19) VCF-style: chrX-17743692-A-G.
Other names: c.935A>G, p.Lys312Arg (NM_001136024.4); c.872A>G, p.Lys291Arg (NM_001291868.2); c.1403A>G, p.Lys468Arg (NM_198270.4); c.1403A>G (NM_198270.2); short protein forms K489R, K312R, K468R, K291R.
Identifiers: ClinVar variation 2954752 (VCV002954752.17), dbSNP rs149877928, ClinGen allele CA10358622.